The following is an entry in ClinVar:

NM_015311.3(OBSL1):c.2135-2A>G

Gene: OBSL1 (obscurin like cytoskeletal adaptor 1; minus strand). Cytogenetic location: 2q35.
Variant type: single nucleotide variant.
Coding change: c.2135-2A>G on transcript NM_015311.3 (MANE Select); the canonical splice acceptor site of the intron before coding-DNA position 2135, A replaced by G.
Molecular consequence: splice acceptor variant.
Genome position (GRCh38, 1-based): chr2:219,565,516, T>C on the plus strand (A>G on the coding strand, the complement: OBSL1 is on the minus strand). VCF-style: chr2-219565516-T-C. GRCh37 (hg19) VCF-style: chr2-220430238-T-C.
Other names: c.2135-2A>G (NM_001173431.2, NM_001173408.2).
Identifiers: ClinVar variation 4849430 (VCV004849430.1).

ClinVar aggregate classification (germline): Likely pathogenic (1 of 4 stars; one submission).

Conditions:
3M syndrome 2. Also called: 3-M Syndrome, OBSL1-Related; THREE M SYNDROME 2. Identifiers: Orphanet 2616, MedGen C2752041, MONDO:0013039, OMIM 612921.

gnomAD v4.1: 3 of 1,604,264 alleles (0.00019%); highest among the groups gnomAD compares: Admixed American, 0.0017%; no homozygotes.

Submission:

First Genomix Gene Laboratory, Genetic Diagnostics Department
Classification: Likely pathogenic for 3M syndrome 2. Last evaluated: 2025-06-02. Review status: criteria provided, single submitter. Criteria: ACMG Guidelines, 2015. Collection method: clinical testing. Allele origin: germline. Inheritance: Autosomal recessive inheritance. Affected: no. Observed: 1 variant allele.